The following is an entry in ClinVar:

ClinVar aggregate classification (germline): Uncertain significance (1 of 4 stars; one submission).

Allele frequency attached by ClinVar (database versions not stated): TOPMed 0.00006; ESP Exome Variant Server 0.00008; gnomAD 0.00008; ExAC 0.00012.
gnomAD v4.1: 150 of 1,612,710 alleles (0.0093%); highest among the groups gnomAD compares: Middle Eastern, 0.016%; no homozygotes.

Submission:

Labcorp Genetics (formerly Invitae), Labcorp
Classification: Uncertain significance. Last evaluated: 2026-01-26. Review status: criteria provided, single submitter. Criteria: Invitae Variant Classification Sherloc (09022015). Collection method: clinical testing. Allele origin: germline.
Comment: This sequence change replaces proline, which is neutral and non-polar, with arginine, which is basic and polar, at codon 2332 of the HMCN1 protein (p.Pro2332Arg). This variant is present in population databases (rs376055523, gnomAD 0.02%). This variant has not been reported in the literature in individuals affected with HMCN1-related conditions. ClinVar contains an entry for this variant (Variation ID: 2049161). An algorithm developed to predict the effect of missense changes on protein structure and function (PolyPhen-2) suggests that this variant is likely to be disruptive. In summary, the available evidence is currently insufficient to determine the role of this variant in disease. Therefore, it has been classified as a Variant of Uncertain Significance.

NM_031935.3(HMCN1):c.6995C>G (p.Pro2332Arg)

Gene: HMCN1 (hemicentin 1; plus strand). Cytogenetic location: 1q31.1.
Variant type: single nucleotide variant.
Coding change: c.6995C>G on transcript NM_031935.3 (MANE Select); coding-DNA position 6995, C replaced by G.
Protein change: p.Pro2332Arg; replaces proline 2332 with arginine.
Molecular consequence: missense variant.
Genome position (GRCh38, 1-based): chr1:186,055,525, C>G. VCF-style: chr1-186055525-C-G. GRCh37 (hg19) VCF-style: chr1-186024657-C-G.
Other names: short protein forms P2332R.
Identifiers: ClinVar variation 2049161 (VCV002049161.4), dbSNP rs376055523, ClinGen allele CA1292714.